The following is an entry in ClinVar:

NM_000264.5(PTCH1):c.2144T>A (p.Phe715Tyr)

Genes: PTCH1 (patched 1; minus strand), LOC100507346 (uncharacterized LOC100507346; plus strand). Cytogenetic location: 9q22.32.
Variant type: single nucleotide variant.
Coding change: c.2144T>A on transcript NM_000264.5 (MANE Select); coding-DNA position 2144, T replaced by A.
Protein change: p.Phe715Tyr; replaces phenylalanine 715 with tyrosine.
Molecular consequence: missense variant. On other transcripts: non-coding transcript variant (2).
Genome position (GRCh38, 1-based): chr9:95,468,857, A>T on the plus strand (T>A on the coding strand, the complement: PTCH1 is on the minus strand). VCF-style: chr9-95468857-A-T. GRCh37 (hg19) VCF-style: chr9-98231139-A-T.
Other names: c.1946T>A, p.Phe649Tyr (NM_001083602.3); c.2141T>A, p.Phe714Tyr (NM_001083603.3); c.1691T>A, p.Phe564Tyr (NM_001083604.3, NM_001083605.3, NM_001083606.3 and 1 more transcripts); c.1988T>A, p.Phe663Tyr (NM_001354918.2); c.2144T>A (NM_000264.4); short protein forms F564Y, F649Y, F663Y, F714Y, F715Y.
Identifiers: ClinVar variation 3230971 (VCV003230971.2), dbSNP rs2118033813, ClinGen allele CA374115565.

ClinVar aggregate classification (germline): Uncertain significance. Review status: criteria provided, multiple submitters, no conflicts (2 of 4 stars). 2 submissions from 2 submitters: Uncertain significance (2). Last evaluated 2025-03-18.

Conditions:
Hereditary cancer-predisposing syndrome. Also called: Neoplastic Syndromes, Hereditary; Tumor predisposition; Hereditary neoplastic syndrome; Hereditary Cancer Syndrome. Identifiers: Orphanet 140162, MedGen C0027672, MeSH D009386, MONDO:0015356.

Submissions (2):

Quest Diagnostics Nichols Institute San Juan Capistrano
Classification: Uncertain significance. Last evaluated: 2025-03-18. Review status: criteria provided, single submitter. Criteria: Quest Diagnostics criteria. Collection method: clinical testing. Allele origin: unknown.
Comment: The PTCH1 c.2144T>A (p.Phe715Tyr) variant has not been reported in individuals with PTCH1-related conditions in the published literature. It also has not been reported in large, multi-ethnic general populations (Genome Aggregation Database). Analysis of this variant using bioinformatics tools for the prediction of the effect of amino acid changes on protein structure and function yielded predictions that this variant is benign. Based on the available information, we are unable to determine the clinical significance of this variant.

Ambry Genetics
Classification: Uncertain significance for Hereditary cancer-predisposing syndrome. Last evaluated: 2024-02-27. Review status: criteria provided, single submitter. Criteria: Ambry Variant Classification Scheme 2023. Collection method: clinical testing. Allele origin: germline.
Comment: The p.F715Y variant (also known as c.2144T>A), located in coding exon 14 of the PTCH1 gene, results from a T to A substitution at nucleotide position 2144. The phenylalanine at codon 715 is replaced by tyrosine, an amino acid with highly similar properties. This amino acid position is conserved. In addition, this alteration is predicted to be tolerated by in silico analysis. Based on the available evidence, the clinical significance of this alteration remains unclear.